The following is an entry in ClinVar:

ClinVar aggregate classification (germline): Uncertain significance (1 of 4 stars; one submission).

Allele frequency attached by ClinVar (database versions not stated): gnomAD exomes below 0.00001; gnomAD 0.00001.
gnomAD v4.1: 3 of 1,613,598 alleles (0.00019%); highest among the groups gnomAD compares: Non-Finnish European, 0.00025%; no homozygotes.

Submission:

Labcorp Genetics (formerly Invitae), Labcorp
Classification: Uncertain significance. Last evaluated: 2024-09-02. Review status: criteria provided, single submitter. Criteria: Invitae Variant Classification Sherloc (09022015). Collection method: clinical testing. Allele origin: germline.
Comment: This sequence change replaces serine, which is neutral and polar, with phenylalanine, which is neutral and non-polar, at codon 125 of the UCHL1 protein (p.Ser125Phe). This variant is present in population databases (no rsID available, gnomAD 0.006%). This missense change has been observed in individual(s) with UCHL1-related conditions (PMID: 32557143). ClinVar contains an entry for this variant (Variation ID: 1957457). An algorithm developed to predict the effect of missense changes on protein structure and function (PolyPhen-2) suggests that this variant is likely to be disruptive. In summary, the available evidence is currently insufficient to determine the role of this variant in disease. Therefore, it has been classified as a Variant of Uncertain Significance.

Literature cited by the submitters: PubMed 32557143.

NM_004181.5(UCHL1):c.374C>T (p.Ser125Phe)

Gene: UCHL1 (ubiquitin C-terminal hydrolase L1; plus strand). Cytogenetic location: 4p13.
Variant type: single nucleotide variant.
Coding change: c.374C>T on transcript NM_004181.5 (MANE Select); coding-DNA position 374, C replaced by T.
Protein change: p.Ser125Phe; replaces serine 125 with phenylalanine.
Molecular consequence: missense variant.
Genome position (GRCh38, 1-based): chr4:41,261,763, C>T. VCF-style: chr4-41261763-C-T. GRCh37 (hg19) VCF-style: chr4-41263780-C-T.
Other names: short protein forms S125F.
Identifiers: ClinVar variation 1957457 (VCV001957457.5), dbSNP rs1310843316, ClinGen allele CA356732860.
Genomic context (GRCh38, chr4:41,261,763, plus strand): 5'-TTTTTTTTTAAGAGGATGGATCAGTTCTGAAACAGTTTCTTTCTGAAACAGAGAAAATGT[C>T]CCCTGAAGACAGAGCAAAATGCTTTGAAAAGAATGAGGTAAGAGAACTTACAGAGCATGG-3'
Protein context (NP_004172.2, residues 115-135): KQFLSETEKM[Ser125Phe]PEDRAKCFEK